The following is an entry in ClinVar:

NM_001271.4(CHD2):c.5153+1G>T

Gene: CHD2 (chromodomain helicase DNA binding protein 2; plus strand). Cytogenetic location: 15q26.1.
Variant type: single nucleotide variant.
Coding change: c.5153+1G>T on transcript NM_001271.4 (MANE Select); the canonical splice donor site of the intron after coding-DNA position 5153, G replaced by T.
Molecular consequence: splice donor variant.
Genome position (GRCh38, 1-based): chr15:93,020,259, G>T. VCF-style: chr15-93020259-G-T. GRCh37 (hg19) VCF-style: chr15-93563489-G-T.
Identifiers: ClinVar variation 1379909 (VCV001379909.6), dbSNP rs761115271, ClinGen allele CA7748660.
Genomic context (GRCh38, chr15:93,020,259, plus strand): 5'-GCCTTATGACCAGTACAGCAGTGACCGAGACCACCGGGGACACAGAGATTATTATGACAG[G>T]TATGCAAAAGGCTGTGAGACACCAGGTGCCAACCTTTGCCAGGAGCTGTTTCTAGGGAGA-3'

ClinVar aggregate classification (germline): Pathogenic (1 of 4 stars; one submission).

Conditions:
Developmental and epileptic encephalopathy 94 (DEE94). Also called: CHD2-Related Neurodevelopmental Disorders; Epileptic encephalopathy, childhood-onset. Identifiers: Orphanet 1942, Orphanet 2382, MedGen C3809278, MONDO:0014150, OMIM 615369.

Allele frequency attached by ClinVar (database versions not stated): gnomAD exomes below 0.00001; ExAC 0.00001.
gnomAD v4.1: 1 of 1,614,098 alleles (0.000062%); no homozygotes.

Submission:

Labcorp Genetics (formerly Invitae), Labcorp
Classification: Pathogenic for Developmental and epileptic encephalopathy 94. Last evaluated: 2022-07-05. Review status: criteria provided, single submitter. Criteria: Invitae Variant Classification Sherloc (09022015). Collection method: clinical testing. Allele origin: germline.
Comment: This sequence change affects a donor splice site in intron 38 of the CHD2 gene. While this variant is not anticipated to result in nonsense mediated decay, it likely alters RNA splicing and results in a disrupted protein product. This variant is not present in population databases (gnomAD no frequency). Disruption of this splice site has been observed in individual(s) with clinical features of CHD2-related conditions (PMID: 31677157; Invitae). In at least one individual the variant was observed to be de novo. ClinVar contains an entry for this variant (Variation ID: 1379909). Variants that disrupt the consensus splice site are a relatively common cause of aberrant splicing (PMID: 17576681, 9536098). Algorithms developed to predict the effect of sequence changes on RNA splicing suggest that this variant may disrupt the consensus splice site. For these reasons, this variant has been classified as Pathogenic.

Literature cited by the submitters: PubMed 31677157; PubMed 17576681; PubMed 9536098.